The following is an entry in ClinVar:

NM_032861.4(SERAC1):c.719A>G (p.Gln240Arg)

Gene: SERAC1 (serine active site containing 1; minus strand). Cytogenetic location: 6q25.3.
Variant type: single nucleotide variant.
Coding change: c.719A>G on transcript NM_032861.4 (MANE Select); coding-DNA position 719, A replaced by G.
Protein change: p.Gln240Arg; replaces glutamine 240 with arginine.
Molecular consequence: missense variant. On other transcripts: non-coding transcript variant (1).
Genome position (GRCh38, 1-based): chr6:158,143,075, T>C on the plus strand (A>G on the coding strand, the complement: SERAC1 is on the minus strand). VCF-style: chr6-158143075-T-C. GRCh37 (hg19) VCF-style: chr6-158564107-T-C.
Other names: c.719A>G (NM_032861.3); short protein forms Q240R.
Identifiers: ClinVar variation 1909788 (VCV001909788.4), dbSNP rs754950871, ClinGen allele CA4071282.

ClinVar aggregate classification (germline): Uncertain significance. Review status: criteria provided, multiple submitters, no conflicts (2 of 4 stars). 2 submissions from 2 submitters: Uncertain significance (2). Last evaluated 2025-06-09.

Conditions:
Inborn genetic diseases. Identifiers: MedGen C0950123, MeSH D030342.
3-methylglutaconic aciduria with deafness, encephalopathy, and Leigh-like syndrome (MEGDEL). Also called: MEGDEL syndrome; SERAC1 Deficiency; 3-METHYLGLUTACONIC ACIDURIA, TYPE VI. Identifiers: Orphanet 352328, MedGen C4040739, MONDO:0013875, OMIM 614739.

Allele frequency attached by ClinVar (database versions not stated): ExAC 0.00001; gnomAD 0.00001; TOPMed 0.00001.
gnomAD v4.1: 6 of 1,612,064 alleles (0.00037%); highest among the groups gnomAD compares: Admixed American, 0.005%; no homozygotes.

Submissions (2):

Ambry Genetics
Classification: Uncertain significance for Inborn genetic diseases. Last evaluated: 2025-06-09. Review status: criteria provided, single submitter. Criteria: Ambry Variant Classification Scheme 2023. Collection method: clinical testing. Allele origin: germline.

Labcorp Genetics (formerly Invitae), Labcorp
Classification: Uncertain significance for 3-methylglutaconic aciduria with deafness, encephalopathy, and Leigh-like syndrome. Last evaluated: 2022-03-01. Review status: criteria provided, single submitter. Criteria: Invitae Variant Classification Sherloc (09022015). Collection method: clinical testing. Allele origin: germline.
Comment: This variant is present in population databases (rs754950871, gnomAD 0.006%). In summary, the available evidence is currently insufficient to determine the role of this variant in disease. Therefore, it has been classified as a Variant of Uncertain Significance. Algorithms developed to predict the effect of missense changes on protein structure and function are either unavailable or do not agree on the potential impact of this missense change (SIFT: "Tolerated"; PolyPhen-2: "Probably Damaging"; Align-GVGD: "Class C0"). This variant has not been reported in the literature in individuals affected with SERAC1-related conditions. This sequence change replaces glutamine, which is neutral and polar, with arginine, which is basic and polar, at codon 240 of the SERAC1 protein (p.Gln240Arg).